The following is an entry in ClinVar:

ClinVar aggregate classification (germline): Uncertain significance (1 of 4 stars; one submission).

Submission:

CeGaT Center for Human Genetics Tuebingen
Classification: Uncertain significance. Last evaluated: 2025-08-01. Review status: criteria provided, single submitter. Criteria: CeGaT Center For Human Genetics Tuebingen Variant Classification Criteria Version 2. Collection method: clinical testing. Allele origin: germline. Affected: yes. Observed: 1 variant allele.
Comment: SPEN: PM2, BP1, BP4

NM_015001.3(SPEN):c.10777G>C (p.Glu3593Gln)

Gene: SPEN (spen family transcriptional repressor; plus strand). Cytogenetic location: 1p36.13.
Variant type: single nucleotide variant.
Coding change: c.10777G>C on transcript NM_015001.3 (MANE Select); coding-DNA position 10777, G replaced by C.
Protein change: p.Glu3593Gln; replaces glutamic acid 3593 with glutamine.
Molecular consequence: missense variant.
Genome position (GRCh38, 1-based): chr1:15,938,790, G>C. VCF-style: chr1-15938790-G-C. GRCh37 (hg19) VCF-style: chr1-16265285-G-C.
Other names: short protein forms E3593Q.
Identifiers: ClinVar variation 4085663 (VCV004085663.8).